The following is an entry in ClinVar:

ClinVar aggregate classification (germline): Uncertain significance (1 of 4 stars; one submission).

Conditions:
Succinate-semialdehyde dehydrogenase deficiency (SSADHD). Also called: Succinic Semialdehyde Dehydrogenase Deficiency; SSADH DEFICIENCY; 4-HYDROXYBUTYRIC ACIDURIA; GABA METABOLIC DEFECT. Identifiers: Orphanet 22, MedGen C0268631, MONDO:0010083, OMIM 271980.

Allele frequency attached by ClinVar (database versions not stated): gnomAD exomes 0.00004; TOPMed 0.00005; ExAC 0.00007.

Submission:

Labcorp Genetics (formerly Invitae), Labcorp
Classification: Uncertain significance for Succinate-semialdehyde dehydrogenase deficiency. Last evaluated: 2022-08-03. Review status: criteria provided, single submitter. Criteria: Invitae Variant Classification Sherloc (09022015). Collection method: clinical testing. Allele origin: germline.
Comment: This sequence change replaces lysine, which is basic and polar, with threonine, which is neutral and polar, at codon 265 of the ALDH5A1 protein (p.Lys265Thr). This variant is present in population databases (rs201146454, gnomAD 0.009%). This variant has not been reported in the literature in individuals affected with ALDH5A1-related conditions. ClinVar contains an entry for this variant (Variation ID: 1002546). Advanced modeling of protein sequence and biophysical properties (such as structural, functional, and spatial information, amino acid conservation, physicochemical variation, residue mobility, and thermodynamic stability) performed at Invitae indicates that this missense variant is not expected to disrupt ALDH5A1 protein function. In summary, the available evidence is currently insufficient to determine the role of this variant in disease. Therefore, it has been classified as a Variant of Uncertain Significance.

NM_001080.3(ALDH5A1):c.794A>C (p.Lys265Thr)

Gene: ALDH5A1 (aldehyde dehydrogenase 5 family member A1; plus strand). Cytogenetic location: 6p22.3.
Variant type: single nucleotide variant.
Coding change: c.794A>C on transcript NM_001080.3 (MANE Select); coding-DNA position 794, A replaced by C.
Protein change: p.Lys265Thr; replaces lysine 265 with threonine.
Molecular consequence: missense variant. On other transcripts: intron variant (1).
Genome position (GRCh38, 1-based): chr6:24,515,234, A>C. VCF-style: chr6-24515234-A-C. GRCh37 (hg19) VCF-style: chr6-24515462-A-C.
Other names: c.833A>C, p.Lys278Thr (NM_170740.1); c.727-5167A>C (NM_001368954.1); short protein forms K265T, K278T.
Identifiers: ClinVar variation 1002546 (VCV001002546.4), dbSNP rs201146454, ClinGen allele CA3656754.